The following is an entry in ClinVar:

ClinVar aggregate classification (germline): Uncertain significance (1 of 4 stars; one submission).

Conditions:
Bent bone dysplasia syndrome 2 (BBDS2). Identifiers: MedGen C5774233, MONDO:0859573, OMIM 620076.
Nephrotic syndrome, IIa 26. Also called: Nephrotic syndrome, type 26. Identifiers: MedGen C5774221, MONDO:0031061, OMIM 620049.

Submission:

Juno Genomics, Hangzhou Juno Genomics, Inc
Classification: Uncertain significance for Bent bone dysplasia syndrome 2; Nephrotic syndrome, IIa 26. Review status: criteria provided, single submitter. Criteria: ACMG Guidelines, 2015. Collection method: clinical testing. Allele origin: germline.
Comment: Absent from controls (or at extremely low frequency if recessive) in Genome Aggregation Database.;Protein length changes due to in-frame deletions/insertions in a non-repeat region or stop-loss variants.

NM_005560.6(LAMA5):c.5281CAGCTG[1] (p.1761QL[1])

Gene: LAMA5 (laminin subunit alpha 5; minus strand). Cytogenetic location: 20q13.33.
Variant type: Microsatellite.
Coding change: c.5281CAGCTG[1] on transcript NM_005560.6 (MANE Select); one copy of the 6-base unit CAGCTG starting at c.5281; the reference has two copies in a row; one copy, 6 bases deleted; also written c.5287_5292del.
Protein change: p.1761QL[1].
Molecular consequence: inframe deletion.
Genome position (GRCh38, 1-based): chr20:62,326,683-62,326,688, CAGCTG deleted on the plus strand (CAGCTG on the coding strand, the reverse complement: LAMA5 is on the minus strand); deleting any 6 consecutive bases within chr20:62,326,683-62,326,695 gives the same sequence; the position shown is the placement nearest the transcript's 3' end. VCF-style (leftmost placement, unchanged base first): chr20-62326682-CCAGCTG-C. GRCh37 (hg19) VCF-style: chr20-60901738-CCAGCTG-C.
Other names: c.5287_5292del (NM_005560.6).
Identifiers: ClinVar variation 5006402 (VCV005006402.2).